The following is an entry in ClinVar:

NM_017534.6(MYH2):c.2704G>A (p.Glu902Lys)

Genes: MYHAS (myosin heavy chain gene cluster antisense RNA; plus strand), MYH2 (myosin heavy chain 2; minus strand). Cytogenetic location: 17p13.1.
Variant type: single nucleotide variant.
Coding change: c.2704G>A on transcript NM_017534.6 (MANE Select); coding-DNA position 2704, G replaced by A.
Protein change: p.Glu902Lys; replaces glutamic acid 902 with lysine.
Molecular consequence: missense variant.
Genome position (GRCh38, 1-based): chr17:10,530,068, C>T on the plus strand (G>A on the coding strand, the complement: MYH2 is on the minus strand). VCF-style: chr17-10530068-C-T. GRCh37 (hg19) VCF-style: chr17-10433385-C-T.
Other names: c.2704G>A, p.Glu902Lys (NM_001100112.2); c.2704G>A (NM_017534.5); short protein forms E902K.
Identifiers: ClinVar variation 1478434 (VCV001478434.12), dbSNP rs781514305, ClinGen allele CA8391072.

ClinVar aggregate classification (germline): Uncertain significance. Review status: criteria provided, multiple submitters, no conflicts (2 of 4 stars). 3 submissions from 3 submitters: Uncertain significance (3). Last evaluated 2024-08-04.

Conditions:
Myopathy, proximal, and ophthalmoplegia (CMYO6). Also called: INCLUSION BODY MYOPATHY 3, AUTOSOMAL DOMINANT; CONGENITAL MYOPATHY 6 WITH OPHTHALMOPLEGIA; MYOPATHY WITH CONGENITAL JOINT CONTRACTURES, OPHTHALMOPLEGIA, AND RIMMED VACUOLES. Identifiers: Orphanet 363677, Orphanet 79091, MedGen C1854106, MONDO:0011577, OMIM 605637.

Allele frequency attached by ClinVar (database versions not stated): ExAC 0.00002; gnomAD exomes 0.00002; gnomAD 0.00003; TOPMed 0.00003.
gnomAD v4.1: 27 of 1,614,104 alleles (0.0017%); highest among the groups gnomAD compares: South Asian, 0.0033%; no homozygotes.

Submissions (3):

GeneDx
Classification: Uncertain significance. Last evaluated: 2024-08-04. Review status: criteria provided, single submitter. Criteria: GeneDx Variant Classification Process June 2021. Collection method: clinical testing. Allele origin: germline. Affected: yes.
Comment: Not observed at significant frequency in large population cohorts (gnomAD); In silico analysis supports that this missense variant has a deleterious effect on protein structure/function; Has not been previously published as pathogenic or benign to our knowledge

Labcorp Genetics (formerly Invitae), Labcorp
Classification: Uncertain significance for Myopathy, proximal, and ophthalmoplegia. Last evaluated: 2023-08-18. Review status: criteria provided, single submitter. Criteria: Invitae Variant Classification Sherloc (09022015). Collection method: clinical testing. Allele origin: germline.
Comment: In summary, the available evidence is currently insufficient to determine the role of this variant in disease. Therefore, it has been classified as a Variant of Uncertain Significance. Advanced modeling of protein sequence and biophysical properties (such as structural, functional, and spatial information, amino acid conservation, physicochemical variation, residue mobility, and thermodynamic stability) performed at Invitae indicates that this missense variant is not expected to disrupt MYH2 protein function. ClinVar contains an entry for this variant (Variation ID: 1478434). This variant has not been reported in the literature in individuals affected with MYH2-related conditions. This variant is present in population databases (rs781514305, gnomAD 0.007%). This sequence change replaces glutamic acid, which is acidic and polar, with lysine, which is basic and polar, at codon 902 of the MYH2 protein (p.Glu902Lys).

Revvity Omics, Revvity
Classification: Uncertain significance for Myopathy, proximal, and ophthalmoplegia. Last evaluated: 2020-02-13. Review status: criteria provided, single submitter. Criteria: ACMG Guidelines, 2015. Collection method: clinical testing. Allele origin: germline.